The following is an entry in ClinVar:

ClinVar aggregate classification (germline): Likely benign. Review status: criteria provided, multiple submitters, no conflicts (2 of 4 stars). 5 submissions from 5 submitters: Likely benign (4). 1 of the submissions does not count toward it. Last evaluated 2025-11-01.

Conditions:
EPB41L1-related disorder. Also called: EPB41L1-related condition.

Allele frequency attached by ClinVar (database versions not stated): 1000 Genomes Project 30x 0.00094; 1000 Genomes Project 0.00100; ExAC 0.00162; gnomAD exomes 0.00172; TOPMed 0.00186; gnomAD 0.00203 and 0.00208; ESP Exome Variant Server 0.00215.
gnomAD v4.1: 5,641 of 1,613,990 alleles (0.35%); highest among the groups gnomAD compares: Non-Finnish European, 0.45%; 11 homozygotes.

Submissions (5):

CeGaT Center for Human Genetics Tuebingen
Classification: Likely benign. Last evaluated: 2025-11-01. Review status: criteria provided, single submitter. Criteria: CeGaT Center For Human Genetics Tuebingen Variant Classification Criteria Version 2. Collection method: clinical testing. Allele origin: germline. Affected: yes. Observed: 3 variant alleles.
Comment: EPB41L1: BS1

Labcorp Genetics (formerly Invitae), Labcorp
Classification: Likely benign. Last evaluated: 2019-12-31. Review status: criteria provided, single submitter. Criteria: Invitae Variant Classification Sherloc (09022015). Collection method: clinical testing. Allele origin: germline.

Genetic Services Laboratory, University of Chicago
Classification: Likely benign. Last evaluated: 2017-03-03. Review status: criteria provided, single submitter. Criteria: ACMG Guidelines, 2015. Collection method: clinical testing. Allele origin: germline. Affected: no.

Breakthrough Genomics
Classification: Likely benign. Review status: criteria provided, single submitter. Criteria: ACMG Guidelines, 2015. Collection method: not provided. Allele origin: germline. Inheritance: Autosomal dominant inheritance. Affected: yes.

PreventionGenetics, part of Exact Sciences
Classification: Likely benign for EPB41L1-related condition. Last evaluated: 2019-05-01. Review status: no assertion criteria provided. Collection method: clinical testing. Allele origin: germline. Not counted in ClinVar's aggregate classification.
Comment: This variant is classified as likely benign based on ACMG/AMP sequence variant interpretation guidelines (Richards et al. 2015 PMID: 25741868, with internal and published modifications).

NM_012156.2(EPB41L1):c.1451C>T (p.Pro484Leu)

Gene: EPB41L1 (erythrocyte membrane protein band 4.1 like 1; plus strand). Cytogenetic location: 20q11.23.
Variant type: single nucleotide variant.
Coding change: c.1451C>T on transcript NM_012156.2 (MANE Select); coding-DNA position 1451, C replaced by T.
Protein change: p.Pro484Leu; replaces proline 484 with leucine.
Molecular consequence: missense variant. On other transcripts: intron variant (3).
Genome position (GRCh38, 1-based): chr20:36,195,330, C>T. VCF-style: chr20-36195330-C-T. GRCh37 (hg19) VCF-style: chr20-34783252-C-T.
Other names: c.1451C>T, p.Pro484Leu (NM_001258329.1); c.1263+970C>T (NM_001258331.2, NM_177996.2); c.1356+970C>T (NM_001258330.1); short protein forms P484L.
Identifiers: ClinVar variation 210943 (VCV000210943.36), dbSNP rs147654123, ClinGen allele CA206277.
Genomic context (GRCh38, chr20:36,195,330, plus strand): 5'-CTAATCCATCTGCTCTACTGACCCTGCTGCTTTCTTTCCCTCCTACCACATCCCACTAGC[C>T]GGAGCAGGAAACCACGCCGAGACACAAGCAGGAGGTACTGCATGGGACCTGTCCCTCCCT-3'
Protein context (NP_036288.2, residues 474-494): RTPTKIKELK[Pro484Leu]EQETTPRHKQ